The following is an entry in ClinVar:

ClinVar aggregate classification (germline): Conflicting classifications of pathogenicity. Review status: criteria provided, conflicting classifications (1 of 4 stars). 2 submissions from 2 submitters: Likely pathogenic (1); Uncertain significance (1). Last evaluated 2024-02-14.

Conditions:
Cardiovascular phenotype. Identifiers: MedGen CN230736.
Cardiomyopathy (CMYO). Also called: Cardiomyopathies. Identifiers: Orphanet 167848, MedGen C0878544, MONDO:0004994, HP:0001638. Inheritance: Various modes of inheritance.

Allele frequency attached by ClinVar (database versions not stated): gnomAD exomes below 0.00001 and 0.00001; ExAC 0.00001.
gnomAD v4.1: 2 of 1,608,458 alleles (0.00012%); highest among the groups gnomAD compares: Non-Finnish European, 0.00017%; no homozygotes.

Submissions (2):

Molecular Diagnostic Laboratory for Inherited Cardiovascular Disease, Montreal Heart Institute
Classification: Likely pathogenic for Cardiovascular phenotype. Last evaluated: 2024-02-14. Review status: criteria provided, single submitter. Criteria: ACMG Guidelines, 2015. Collection method: clinical testing. Allele origin: germline. Affected: yes.
Comment: PM2, PS4_supp, PM5_supp, PP2, PP3

Color Diagnostics, LLC DBA Color Health
Classification: Uncertain significance for Cardiomyopathy. Last evaluated: 2022-08-08. Review status: criteria provided, single submitter. Criteria: ACMG Guidelines, 2015. Collection method: clinical testing. Allele origin: germline.
Comment: This missense variant replaces arginine with histidine at codon 72 of the LMNA protein. Computational prediction suggests that this variant may have deleterious impact on protein structure and function (internally defined REVEL score threshold >= 0.7, PMID: 27666373). To our knowledge, functional studies have not been reported for this variant. This variant has not been reported in individuals affected with cardiovascular disorders in the literature. This variant has been identified in 2/235706 chromosomes in the general population by the Genome Aggregation Database (gnomAD). The available evidence is insufficient to determine the role of this variant in disease conclusively. Therefore, this variant is classified as a Variant of Uncertain Significance.

NM_170707.4(LMNA):c.215G>A (p.Arg72His)

Gene: LMNA (lamin A/C; plus strand). Cytogenetic location: 1q22.
Variant type: single nucleotide variant.
Coding change: c.215G>A on transcript NM_170707.4 (MANE Select); coding-DNA position 215, G replaced by A.
Protein change: p.Arg72His; replaces arginine 72 with histidine.
Molecular consequence: missense variant.
Genome position (GRCh38, 1-based): chr1:156,115,133, G>A. VCF-style: chr1-156115133-G-A. GRCh37 (hg19) VCF-style: chr1-156084924-G-A.
Other names: c.215G>A, p.Arg72His (NM_001282625.2, NM_001282626.2, NM_005572.4 and 1 more transcripts); c.215G>A (NM_170707.3); short protein forms R72H.
Identifiers: ClinVar variation 924996 (VCV000924996.5), dbSNP rs727504340, ClinGen allele CA052051.
Genomic context (GRCh38, chr1:156,115,133, plus strand): 5'-TGGAAACGGAGAACGCAGGGCTGCGCCTTCGCATCACCGAGTCTGAAGAGGTGGTCAGCC[G>A]CGAGGTGTCCGGCATCAAGGCCGCCTACGAGGCCGAGCTCGGGGATGCCCGCAAGACCCT-3'
Protein context (NP_733821.1, residues 62-82): RITESEEVVS[Arg72His]EVSGIKAAYE